The following is an entry in ClinVar:

NM_004370.6(COL12A1):c.1403A>G (p.Lys468Arg)

Gene: COL12A1 (collagen type XII alpha 1 chain; minus strand). Cytogenetic location: 6q13.
Variant type: single nucleotide variant.
Coding change: c.1403A>G on transcript NM_004370.6 (MANE Select); coding-DNA position 1403, A replaced by G.
Protein change: p.Lys468Arg; replaces lysine 468 with arginine.
Molecular consequence: missense variant. On other transcripts: intron variant (1).
Genome position (GRCh38, 1-based): chr6:75,183,538, T>C on the plus strand (A>G on the coding strand, the complement: COL12A1 is on the minus strand). VCF-style: chr6-75183538-T-C. GRCh37 (hg19) VCF-style: chr6-75893254-T-C.
Other names: c.73+19182A>G (NM_080645.3); short protein forms K468R.
Identifiers: ClinVar variation 1315964 (VCV001315964.5), dbSNP rs2149466373, ClinGen allele CA364770678.
Genomic context (GRCh38, chr6:75,183,538, plus strand): 5'-GGATCCCGGCTGTATTGCACAAGACTAATCTGGACCCTATTTGGTGAAATTTCAAAACTT[T>C]TTACAAGAACTTCCAAAAAGGCTCTAACTTTAACAAAGTTTGCAATCCCAATGCTATAGG-3'
Protein context (NP_004361.3, residues 458-478): KVRAFLEVLV[Lys468Arg]SFEISPNRVQ

ClinVar aggregate classification (germline): Uncertain significance. Review status: criteria provided, multiple submitters, no conflicts (2 of 4 stars). 3 submissions from 3 submitters: Uncertain significance (3). Last evaluated 2025-09-25.

Conditions:
Ullrich congenital muscular dystrophy 2 (UCMD2). Identifiers: Orphanet 75840, MedGen C4225314, MONDO:0014654, OMIM 616470.
Bethlem myopathy 2 (BTHLM2). Identifiers: Orphanet 536516, Orphanet 610, MedGen C4225313, MONDO:0034022, OMIM 616471.
Inborn genetic diseases. Identifiers: MedGen C0950123, MeSH D030342.

gnomAD v4.1: 3 of 1,614,148 alleles (0.00019%); highest among the groups gnomAD compares: Non-Finnish European, 0.00025%; no homozygotes.

Submissions (3):

Ambry Genetics
Classification: Uncertain significance for Inborn genetic diseases. Last evaluated: 2025-09-25. Review status: criteria provided, single submitter. Criteria: Ambry Variant Classification Scheme 2023. Collection method: clinical testing. Allele origin: germline.

Labcorp Genetics (formerly Invitae), Labcorp
Classification: Uncertain significance for Bethlem myopathy 2; Ullrich congenital muscular dystrophy 2. Last evaluated: 2024-09-10. Review status: criteria provided, single submitter. Criteria: Invitae Variant Classification Sherloc (09022015). Collection method: clinical testing. Allele origin: germline.
Comment: This sequence change replaces lysine, which is basic and polar, with arginine, which is basic and polar, at codon 468 of the COL12A1 protein (p.Lys468Arg). This variant is not present in population databases (gnomAD no frequency). This variant has not been reported in the literature in individuals affected with COL12A1-related conditions. ClinVar contains an entry for this variant (Variation ID: 1315964). Invitae Evidence Modeling of protein sequence and biophysical properties (such as structural, functional, and spatial information, amino acid conservation, physicochemical variation, residue mobility, and thermodynamic stability) indicates that this missense variant is not expected to disrupt COL12A1 protein function with a negative predictive value of 80%. In summary, the available evidence is currently insufficient to determine the role of this variant in disease. Therefore, it has been classified as a Variant of Uncertain Significance.

GeneDx
Classification: Uncertain significance. Last evaluated: 2019-11-15. Review status: criteria provided, single submitter. Criteria: GeneDx Variant Classification Process June 2021. Collection method: clinical testing. Allele origin: germline. Affected: yes.
Comment: Has not been previously published as pathogenic or benign to our knowledge; Not observed in large population cohorts (Lek et al., 2016); In silico analysis, which includes protein predictors and evolutionary conservation, supports that this variant does not alter protein structure/function